The following is an entry in ClinVar:

ClinVar aggregate classification (germline): Uncertain significance. Review status: criteria provided, multiple submitters, no conflicts (2 of 4 stars). 2 submissions from 2 submitters: Uncertain significance (2). Last evaluated 2024-05-31.

Conditions:
Hermansky-Pudlak syndrome 1 (HPS1). Also called: DELTA STORAGE POOL DISEASE. Identifiers: Orphanet 231500, Orphanet 79430, MedGen C2931875, MONDO:0008748, OMIM 203300.

Submissions (2):

Fulgent Genetics
Classification: Uncertain significance for Hermansky-Pudlak syndrome 1. Last evaluated: 2024-05-31. Review status: criteria provided, single submitter. Criteria: ACMG Guidelines, 2015. Collection method: clinical testing. Allele origin: germline.

Labcorp Genetics (formerly Invitae), Labcorp
Classification: Uncertain significance. Last evaluated: 2021-11-14. Review status: criteria provided, single submitter. Criteria: Invitae Variant Classification Sherloc (09022015). Collection method: clinical testing. Allele origin: germline.
Comment: This sequence change replaces aspartic acid, which is acidic and polar, with tyrosine, which is neutral and polar, at codon 634 of the HPS1 protein (p.Asp634Tyr). This variant is not present in population databases (gnomAD no frequency). This variant has not been reported in the literature in individuals affected with HPS1-related conditions. Algorithms developed to predict the effect of missense changes on protein structure and function are either unavailable or do not agree on the potential impact of this missense change (SIFT: "Deleterious"; PolyPhen-2: "Probably Damaging"; Align-GVGD: "Class C0"). In summary, the available evidence is currently insufficient to determine the role of this variant in disease. Therefore, it has been classified as a Variant of Uncertain Significance.

NM_000195.5(HPS1):c.1900G>T (p.Asp634Tyr)

Gene: HPS1 (HPS1 biogenesis of lysosomal organelles complex 3 subunit 1; minus strand). Cytogenetic location: 10q24.2.
Variant type: single nucleotide variant.
Coding change: c.1900G>T on transcript NM_000195.5 (MANE Select); coding-DNA position 1900, G replaced by T.
Protein change: p.Asp634Tyr; replaces aspartic acid 634 with tyrosine.
Molecular consequence: missense variant.
Genome position (GRCh38, 1-based): chr10:98,418,215, C>A on the plus strand (G>T on the coding strand, the complement: HPS1 is on the minus strand). VCF-style: chr10-98418215-C-A. GRCh37 (hg19) VCF-style: chr10-100177972-C-A.
Other names: c.1639G>T, p.Asp547Tyr (NM_001322481.2, NM_001322480.2); c.1540G>T, p.Asp514Tyr (NM_001322482.2); c.1531G>T, p.Asp511Tyr (NM_001322483.2, NM_001322484.2); c.1432G>T, p.Asp478Tyr (NM_001322485.2); c.928G>T, p.Asp310Tyr (NM_001322487.2, NM_001322489.2, NM_001311345.2); c.1900G>T, p.Asp634Tyr (NM_001322476.2, NM_001322477.2); c.1801G>T, p.Asp601Tyr (NM_001322478.2, NM_001322479.2); short protein forms D634Y, D511Y, D310Y, D514Y, D478Y, D547Y, D601Y.
Identifiers: ClinVar variation 1393277 (VCV001393277.4), dbSNP rs1844367598, ClinGen allele CA378042897.
Genomic context (GRCh38, chr10:98,418,215, plus strand): 5'-GGCTCCCAACGCAGCGTCACCTGTAGTAGTCTCCTCCCAGCATGCCGATAGGCACTGAGT[C>A]GTCGGAGAGGACGGGCACCTCGATCATCTGGAGTTTGTACCCCTGAGGAGGGAGGACAGG-3'
Protein context (NP_000186.2, residues 624-644): QMIEVPVLSD[Asp634Tyr]SVPIGMLGGD